The following is an entry in ClinVar:

NM_014946.4(SPAST):c.302C>T (p.Ser101Leu)

Gene: SPAST (spastin; plus strand). Cytogenetic location: 2p22.3.
Variant type: single nucleotide variant.
Coding change: c.302C>T on transcript NM_014946.4 (MANE Select); coding-DNA position 302, C replaced by T.
Protein change: p.Ser101Leu; replaces serine 101 with leucine.
Molecular consequence: missense variant.
Genome position (GRCh38, 1-based): chr2:32,064,133, C>T. VCF-style: chr2-32064133-C-T. GRCh37 (hg19) VCF-style: chr2-32289202-C-T.
Other names: c.302C>T, p.Ser101Leu (NM_001363823.2, NM_001363875.2, NM_001377959.1 and 1 more transcripts); short protein forms S101L.
Identifiers: ClinVar variation 960163 (VCV000960163.9), dbSNP rs746263735, ClinGen allele CA1600545.
Genomic context (GRCh38, chr2:32,064,133, plus strand): 5'-GCTTCTCCCGCGCCCTCATGGCAGCCAAGAGGAGCTCCGGGGCCGCGCCAGCACCTGCCT[C>T]GGCCTCGGCCCCGGCGCCGGTGCCGGGCGGCGAGGCCGAGCGCGTCCGAGTCTTCCACAA-3'
Protein context (NP_055761.2, residues 91-111): RSSGAAPAPA[Ser101Leu]ASAPAPVPGG

ClinVar aggregate classification (germline): Conflicting classifications of pathogenicity. Review status: criteria provided, conflicting classifications (1 of 4 stars). 2 submissions from 2 submitters: Uncertain significance (1); Likely benign (1). Last evaluated 2025-01-23.

Conditions:
Inborn genetic diseases. Identifiers: MedGen C0950123, MeSH D030342.
Hereditary spastic paraplegia 4. Also called: Spastic paraplegia 4, autosomal dominant; Spastic Paraplegia 4; Familial spastic paraplegia autosomal dominant 2. Identifiers: Orphanet 100985, MedGen C1866855, MONDO:0008438, OMIM 182601.

Allele frequency attached by ClinVar (database versions not stated): gnomAD 0.00001; gnomAD exomes 0.00002; TOPMed 0.00002; ExAC 0.00008.
gnomAD v4.1: 24 of 1,575,100 alleles (0.0015%); highest among the groups gnomAD compares: East Asian, 0.0046%; no homozygotes.

Submissions (2):

Labcorp Genetics (formerly Invitae), Labcorp
Classification: Likely benign for Hereditary spastic paraplegia 4. Last evaluated: 2025-01-23. Review status: criteria provided, single submitter. Criteria: Invitae Variant Classification Sherloc (09022015). Collection method: clinical testing. Allele origin: germline.

Ambry Genetics
Classification: Uncertain significance for Inborn genetic diseases. Last evaluated: 2020-12-29. Review status: criteria provided, single submitter. Criteria: Ambry Variant Classification Scheme 2023. Collection method: clinical testing. Allele origin: germline.
Comment: The c.302C>T (p.S101L) alteration is located in exon 1 (coding exon 1) of the SPAST gene. This alteration results from a C to T substitution at nucleotide position 302, causing the serine (S) at amino acid position 101 to be replaced by a leucine (L). The p.S101L alteration is predicted to be tolerated by in silico analysis. Based on insufficient or conflicting evidence, the clinical significance of this alteration remains unclear.